The following is an entry in ClinVar:

NM_004629.2(FANCG):c.742G>T (p.Val248Leu)

Gene: FANCG (FA complementation group G; minus strand). Cytogenetic location: 9p13.3.
Variant type: single nucleotide variant.
Coding change: c.742G>T on transcript NM_004629.2 (MANE Select); coding-DNA position 742, G replaced by T.
Protein change: p.Val248Leu; replaces valine 248 with leucine.
Molecular consequence: missense variant.
Genome position (GRCh38, 1-based): chr9:35,077,006, C>A on the plus strand (G>T on the coding strand, the complement: FANCG is on the minus strand). VCF-style: chr9-35077006-C-A. GRCh37 (hg19) VCF-style: chr9-35077003-C-A.
Other names: short protein forms V248L.
Identifiers: ClinVar variation 4619393 (VCV004619393.1).

ClinVar aggregate classification (germline): Uncertain significance (1 of 4 stars; one submission).

Conditions:
Inborn genetic diseases. Identifiers: MedGen C0950123, MeSH D030342.

gnomAD v4.1: 4 of 1,614,250 alleles (0.00025%); highest among the groups gnomAD compares: Non-Finnish European, 0.00034%; no homozygotes.

Submission:

Ambry Genetics
Classification: Uncertain significance for Inborn genetic diseases. Last evaluated: 2025-11-19. Review status: criteria provided, single submitter. Criteria: Ambry Variant Classification Scheme 2023. Collection method: clinical testing. Allele origin: germline.
Comment: The p.V248L variant (also known as c.742G>T), located in coding exon 6 of the FANCG gene, results from a G to T substitution at nucleotide position 742. The valine at codon 248 is replaced by leucine, an amino acid with highly similar properties. This amino acid position is conserved. In addition, this alteration is predicted to be tolerated by in silico analysis. Based on the available evidence, the clinical significance of this variant remains unclear.